The following is an entry in ClinVar:

ClinVar aggregate classification (germline): Uncertain significance (1 of 4 stars; one submission).

gnomAD v4.1: 1 of 1,611,784 alleles (0.000062%); highest among the groups gnomAD compares: African/African-American, 0.0013%; no homozygotes.

Submission:

Mayo Clinic Laboratories, Mayo Clinic
Classification: Uncertain significance. Last evaluated: 2024-12-04. Review status: criteria provided, single submitter. Criteria: ACMG Guidelines, 2015. Collection method: clinical testing. Allele origin: germline. Observed: 1 variant allele.
Comment: PM2_supporting

NM_000295.5(SERPINA1):c.964G>C (p.Asp322His)

Gene: SERPINA1 (serpin family A member 1; minus strand). Cytogenetic location: 14q32.13.
Variant type: single nucleotide variant.
Coding change: c.964G>C on transcript NM_000295.5 (MANE Select); coding-DNA position 964, G replaced by C.
Protein change: p.Asp322His; replaces aspartic acid 322 with histidine.
Molecular consequence: missense variant.
Genome position (GRCh38, 1-based): chr14:94,379,565, C>G on the plus strand (G>C on the coding strand, the complement: SERPINA1 is on the minus strand). VCF-style: chr14-94379565-C-G. GRCh37 (hg19) VCF-style: chr14-94845902-C-G.
Other names: p.Asp322His; c.964G>C, p.Asp322His (NM_001127707.2, NM_001002235.3, NM_001002236.3 and 7 more transcripts); short protein forms D322H.
Identifiers: ClinVar variation 4541902 (VCV004541902.1).
Genomic context (GRCh38, chr14:94,379,565, plus strand): 5'-GGTCAGCCCCATTGCTGAAGACCTTAGTGATGCCCAGTTGACCCAGGACGCTCTTCAGAT[C>G]ATAGGTTCCAGTAATGGACAGTTTGGGTAAATGTAAGCTGGCAGACCTGTCGTGCAGAAA-3'
Protein context (NP_000286.3, residues 312-332): LPKLSITGTY[Asp322His]LKSVLGQLGI